The following is an entry in ClinVar:

NM_021975.4(RELA):c.1035A>G (p.Ala345=)

Gene: RELA (RELA proto-oncogene, NF-kB subunit; minus strand). Cytogenetic location: 11q13.1.
Variant type: single nucleotide variant.
Coding change: c.1035A>G on transcript NM_021975.4 (MANE Select); coding-DNA position 1035, A replaced by G.
Protein change: p.Ala345=; no amino-acid change (alanine 345 retained).
Molecular consequence: synonymous variant. On other transcripts: intron variant (1).
Genome position (GRCh38, 1-based): chr11:65,654,999, T>C on the plus strand (A>G on the coding strand, the complement: RELA is on the minus strand). VCF-style: chr11-65654999-T-C. GRCh37 (hg19) VCF-style: chr11-65422470-T-C.
Other names: c.1026A>G, p.Ala342= (NM_001145138.2); c.1035A>G, p.Ala345= (NM_001243985.2); c.1068A>G, p.Ala356= (NM_001404657.1); c.1008A>G, p.Ala336= (NM_001404658.1); c.822A>G, p.Ala274= (NM_001404659.1); c.717A>G, p.Ala239= (NM_001404660.1); c.654A>G, p.Ala218= (NM_001404661.1); c.942A>G, p.Ala314= (NM_001404662.1, NM_001404663.1); and 1 more.
Identifiers: ClinVar variation 2641966 (VCV002641966.27), dbSNP rs187885211, ClinGen allele CA6106652.

ClinVar aggregate classification (germline): Likely benign. Review status: criteria provided, multiple submitters, no conflicts (2 of 4 stars). 2 submissions from 2 submitters: Likely benign (2). Last evaluated 2024-06-22.

Allele frequency attached by ClinVar (database versions not stated): gnomAD 0.00001; TOPMed 0.00001; ExAC 0.00002; gnomAD exomes 0.00006; ESP Exome Variant Server 0.00008; 1000 Genomes Project 30x 0.00016; 1000 Genomes Project 0.00020.
gnomAD v4.1: 81 of 1,594,620 alleles (0.0051%); highest among the groups gnomAD compares: Non-Finnish European, 0.0067%; no homozygotes.

Submissions (2):

Labcorp Genetics (formerly Invitae), Labcorp
Classification: Likely benign. Last evaluated: 2024-06-22. Review status: criteria provided, single submitter. Criteria: Invitae Variant Classification Sherloc (09022015). Collection method: clinical testing. Allele origin: germline.

CeGaT Center for Human Genetics Tuebingen
Classification: Likely benign. Last evaluated: 2022-06-01. Review status: criteria provided, single submitter. Criteria: CeGaT Center For Human Genetics Tuebingen Variant Classification Criteria Version 2. Collection method: clinical testing. Allele origin: germline. Affected: yes. Observed: 1 variant allele.
Comment: RELA: BP4, BP7